The following is an entry in ClinVar:

NM_005585.5(SMAD6):c.1115_1139del (p.Asn372fs)

Gene: SMAD6 (SMAD family member 6; plus strand). Cytogenetic location: 15q22.31.
Variant type: Deletion.
Coding change: c.1115_1139del on transcript NM_005585.5 (MANE Select); coding-DNA positions 1115 to 1139, 25 bases deleted (ACCTGGAGCAGCGCAGCGAGTCGGT).
Protein change: p.Asn372fs; shifts the reading frame from asparagine 372.
Molecular consequence: frameshift variant. On other transcripts: non-coding transcript variant (1).
Genome position (GRCh38, 1-based): chr15:66,781,159-66,781,183, ACCTGGAGCAGCGCAGCGAGTCGGT deleted. VCF-style (leftmost placement, unchanged base first): chr15-66781158-AACCTGGAGCAGCGCAGCGAGTCGGT-A. GRCh37 (hg19) VCF-style: chr15-67073496-AACCTGGAGCAGCGCAGCGAGTCGGT-A.
Other names: short protein forms N372fs.
Identifiers: ClinVar variation 4714653 (VCV004714653.1).

ClinVar aggregate classification (germline): Uncertain significance (1 of 4 stars; one submission).

Conditions:
Aortic valve disease 2 (AOVD2). Identifiers: MedGen C3542024, MONDO:0013902, OMIM 614823.

Submission:

Labcorp Genetics (formerly Invitae), Labcorp
Classification: Uncertain significance for Aortic valve disease 2. Last evaluated: 2025-03-07. Review status: criteria provided, single submitter. Criteria: Invitae Variant Classification Sherloc (09022015). Collection method: clinical testing. Allele origin: germline.
Comment: This sequence change results in a frameshift in the SMAD6 gene (p.Asn372Serfs*159). While this is not anticipated to result in nonsense mediated decay, it is expected to disrupt the last 125 amino acid(s) of the SMAD6 protein and extend the protein by 33 additional amino acid residues. This variant is not present in population databases (gnomAD no frequency). This variant has not been reported in the literature in individuals affected with SMAD6-related conditions. Experimental studies and prediction algorithms are not available or were not evaluated, and the functional significance of this variant is currently unknown. In summary, the available evidence is currently insufficient to determine the role of this variant in disease. Therefore, it has been classified as a Variant of Uncertain Significance.